The following is an entry in ClinVar:

NM_173543.3(DZIP1L):c.2273G>A (p.Ser758Asn)

Gene: DZIP1L (DAZ interacting zinc finger protein 1 like; minus strand). Cytogenetic location: 3q22.3.
Variant type: single nucleotide variant.
Coding change: c.2273G>A on transcript NM_173543.3 (MANE Select); coding-DNA position 2273, G replaced by A.
Protein change: p.Ser758Asn; replaces serine 758 with asparagine.
Molecular consequence: missense variant.
Genome position (GRCh38, 1-based): chr3:138,062,847, C>T on the plus strand (G>A on the coding strand, the complement: DZIP1L is on the minus strand). VCF-style: chr3-138062847-C-T. GRCh37 (hg19) VCF-style: chr3-137781689-C-T.
Other names: c.2273G>A (NM_173543.2); short protein forms S758N.
Identifiers: ClinVar variation 1503045 (VCV001503045.7), dbSNP rs199601496, ClinGen allele CA2634599.

ClinVar aggregate classification (germline): Uncertain significance. Review status: criteria provided, multiple submitters, no conflicts (2 of 4 stars). 2 submissions from 2 submitters: Uncertain significance (2). Last evaluated 2023-12-06.

Conditions:
Inborn genetic diseases. Identifiers: MedGen C0950123, MeSH D030342.

Allele frequency attached by ClinVar (database versions not stated): ESP Exome Variant Server 0.00015.

Submissions (2):

Ambry Genetics
Classification: Uncertain significance for Inborn genetic diseases. Last evaluated: 2023-12-06. Review status: criteria provided, single submitter. Criteria: Ambry Variant Classification Scheme 2023. Collection method: clinical testing. Allele origin: germline.

Labcorp Genetics (formerly Invitae), Labcorp
Classification: Uncertain significance. Last evaluated: 2023-07-17. Review status: criteria provided, single submitter. Criteria: Invitae Variant Classification Sherloc (09022015). Collection method: clinical testing. Allele origin: germline.
Comment: This sequence change replaces serine, which is neutral and polar, with asparagine, which is neutral and polar, at codon 758 of the DZIP1L protein (p.Ser758Asn). This variant is present in population databases (rs199601496, gnomAD 0.07%), including at least one homozygous and/or hemizygous individual. This variant has not been reported in the literature in individuals affected with DZIP1L-related conditions. ClinVar contains an entry for this variant (Variation ID: 1503045). An algorithm developed to predict the effect of missense changes on protein structure and function (PolyPhen-2) suggests that this variant¬†is likely to be tolerated. In summary, the available evidence is currently insufficient to determine the role of this variant in disease. Therefore, it has been classified as a Variant of Uncertain Significance.